The following is an entry in ClinVar:

NC_000017.11:g.(?_43044336)_(43125483_?)dup

Gene: BRCA1 (BRCA1 DNA repair associated; minus strand). Cytogenetic location: 17q21.31.
Variant type: Duplication.
Identifiers: ClinVar variation 832396 (VCV000832396.3).

ClinVar aggregate classification (germline): Uncertain significance (1 of 4 stars; one submission).

Conditions:
Hereditary breast ovarian cancer syndrome. Also called: Hereditary breast and/or ovarian cancer syndrome; Hereditary breast and ovarian cancer syndrome (HBOC); Breast and ovarian cancer; Hereditary breast and ovarian cancer; BRCA1- and BRCA2-Associated Hereditary Breast and Ovarian Cancer; Hereditary breast and ovarian cancer syndrome. Identifiers: Orphanet 145, MedGen C0677776, MeSH D061325, MONDO:0003582. Disease mechanism: loss of function.

Submission:

Labcorp Genetics (formerly Invitae), Labcorp
Classification: Uncertain significance for Hereditary breast ovarian cancer syndrome. Last evaluated: 2022-07-09. Review status: criteria provided, single submitter. Criteria: Invitae Variant Classification Sherloc (09022015). Collection method: clinical testing. Allele origin: germline.
Comment: A copy number gain of the genomic region encompassing the full coding sequence of the BRCA1 gene has been identified. The boundaries of this event are unknown as they extend beyond the assayed region for this gene and therefore may encompass additional genes. As the precise location of this event is unknown, it may be in tandem or it may be located elsewhere in the genome. This variant has not been reported in the literature in individuals affected with BRCA1-related conditions. In summary, the available evidence is currently insufficient to determine the role of this variant in disease. Therefore, it has been classified as a Variant of Uncertain Significance.